The following is an entry in ClinVar:

NM_001130145.3(YAP1):c.1024A>G (p.Lys342Glu)

Gene: YAP1 (Yes1 associated transcriptional regulator; plus strand). Cytogenetic location: 11q22.1.
Variant type: single nucleotide variant.
Coding change: c.1024A>G on transcript NM_001130145.3 (MANE Select); coding-DNA position 1024, A replaced by G.
Protein change: p.Lys342Glu; replaces lysine 342 with glutamic acid.
Molecular consequence: missense variant. On other transcripts: intron variant (4).
Genome position (GRCh38, 1-based): chr11:102,209,556, A>G. VCF-style: chr11-102209556-A-G. GRCh37 (hg19) VCF-style: chr11-102080287-A-G.
Other names: c.1024A>G (NM_001130145.2); c.490A>G, p.Lys164Glu (NM_001195045.2); c.910A>G, p.Lys304Glu (NM_001282097.2); c.922A>G, p.Lys308Glu (NM_001282099.2); c.1036A>G, p.Lys346Glu (NM_001282101.2); c.996+3470A>G (NM_001282100.2); c.984+3482A>G (NM_001195044.2); c.882+3470A>G (NM_001282098.2); and 1 more; short protein forms K164E, K304E, K308E, K342E, K346E.
Identifiers: ClinVar variation 1175805 (VCV001175805.40), dbSNP rs777581023, ClinGen allele CA6246415.

ClinVar aggregate classification (germline): Conflicting classifications of pathogenicity. Review status: criteria provided, conflicting classifications (1 of 4 stars). 4 submissions from 4 submitters: Uncertain significance (3); Likely benign (1). Last evaluated 2025-10-21.

Allele frequency attached by ClinVar (database versions not stated): ExAC 0.00004; TOPMed 0.00006; gnomAD 0.00008; gnomAD exomes 0.00008 and 0.00009.
gnomAD v4.1: 138 of 1,599,298 alleles (0.0086%); highest among the groups gnomAD compares: Non-Finnish European, 0.0087%; no homozygotes.

Submissions (4):

Labcorp Genetics (formerly Invitae), Labcorp
Classification: Uncertain significance. Last evaluated: 2025-10-21. Review status: criteria provided, single submitter. Criteria: Invitae Variant Classification Sherloc (09022015). Collection method: clinical testing. Allele origin: germline.
Comment: This sequence change replaces lysine, which is basic and polar, with glutamic acid, which is acidic and polar, at codon 342 of the YAP1 protein (p.Lys342Glu). This variant is present in population databases (rs777581023, gnomAD 0.04%), and has an allele count higher than expected for a pathogenic variant. This variant has not been reported in the literature in individuals affected with YAP1-related conditions. ClinVar contains an entry for this variant (Variation ID: 1175805). An algorithm developed to predict the effect of missense changes on protein structure and function (PolyPhen-2) suggests that this variant is likely to be tolerated. In summary, the available evidence is currently insufficient to determine the role of this variant in disease. Therefore, it has been classified as a Variant of Uncertain Significance.

Laboratory of Genetics, Children's Clinical University Hospital Latvia
Classification: Likely benign. Last evaluated: 2025-02-16. Review status: criteria provided, single submitter. Criteria: ACMG Guidelines, 2015. Collection method: clinical testing. Allele origin: germline. Affected: yes.

Ambry Genetics
Classification: Uncertain significance. Last evaluated: 2025-01-24. Review status: criteria provided, single submitter. Criteria: Ambry Variant Classification Scheme 2023. Collection method: clinical testing. Allele origin: germline.

CeGaT Center for Human Genetics Tuebingen
Classification: Uncertain significance. Last evaluated: 2021-06-01. Review status: criteria provided, single submitter. Criteria: CeGaT Center For Human Genetics Tuebingen Variant Classification Criteria Version 2. Collection method: clinical testing. Allele origin: germline. Affected: yes. Observed: 1 variant allele.